The following is an entry in ClinVar:

ClinVar aggregate classification (germline): Likely benign (1 of 4 stars; one submission).

Allele frequency attached by ClinVar (database versions not stated): 1000 Genomes Project 0.00040; 1000 Genomes Project 30x 0.00062; TOPMed 0.00145; ESP Exome Variant Server 0.00146; gnomAD 0.00157; ExAC 0.00171.
gnomAD v4.1: 3,214 of 1,612,212 alleles (0.2%); highest among the groups gnomAD compares: Non-Finnish European, 0.23%; 7 homozygotes.

Submission:

CeGaT Center for Human Genetics Tuebingen
Classification: Likely benign. Last evaluated: 2022-07-01. Review status: criteria provided, single submitter. Criteria: CeGaT Center For Human Genetics Tuebingen Variant Classification Criteria Version 2. Collection method: clinical testing. Allele origin: germline. Affected: yes. Observed: 1 variant allele.
Comment: NUMB: BP4, BP7

NM_001005743.2(NUMB):c.1938G>A (p.Thr646=)

Gene: NUMB (NUMB endocytic adaptor protein; minus strand). Cytogenetic location: 14q24.2.
Variant type: single nucleotide variant.
Coding change: c.1938G>A on transcript NM_001005743.2 (MANE Select); coding-DNA position 1938, G replaced by A.
Protein change: p.Thr646=; no amino-acid change (threonine 646 retained).
Molecular consequence: synonymous variant.
Genome position (GRCh38, 1-based): chr14:73,276,596, C>T on the plus strand (G>A on the coding strand, the complement: NUMB is on the minus strand). VCF-style: chr14-73276596-C-T. GRCh37 (hg19) VCF-style: chr14-73743304-C-T.
Other names: c.1794G>A, p.Thr598= (NM_001005744.2, NM_001320114.2); c.1761G>A, p.Thr587= (NM_001005745.2); c.1905G>A, p.Thr635= (NM_003744.6).
Identifiers: ClinVar variation 2644361 (VCV002644361.24), dbSNP rs117957039, ClinGen allele CA7258612.
Genomic context (GRCh38, chr14:73,276,596, plus strand): 5'-TCCCTGTCTGGTATGGACAAGATACATAGCCATAATGATTGCTTAAAGTTCAATTTCAAA[C>T]GTCTTCTGTAAGTCACTGGAGAAAGGGTTGGTAGGGGAGGGATTAGTACGCTGCTTGGAC-3'
Protein context (NP_001005743.1, residues 636-651): TNPFSSDLQK[Thr646=]FEIEL